The following is an entry in ClinVar:

ClinVar aggregate classification (germline): Likely pathogenic (1 of 4 stars; one submission).

Conditions:
Pelizaeus-Merzbacher disease. Also called: LEUKODYSTROPHY, HYPOMYELINATING, 1; Sudanophilic leukodystrophy; Pelizaeus-Merzbacher spectrum disorder; Pelizaeus-Merzbacher Disease (PMD); Pelizeaus-Merzbacher spectrum disorder. Identifiers: Orphanet 702, MedGen C0205711, MONDO:0010714, OMIM 312080, HP:0003269.

Submission:

Molecular Diagnostics Lab, Nemours Children's Health, Delaware
Classification: Likely pathogenic for Pelizaeus-Merzbacher disease. Last evaluated: 2021-11-19. Review status: criteria provided, single submitter. Criteria: ACMG Guidelines, 2015. Collection method: clinical testing. Allele origin: unknown. Inheritance: X-linked inheritance. Affected: yes. Observed: 1 hemizygote.
Comment: This nonsense variant (c.385C>T, p.Gln129*) has not been observed in population databases (gnomAD). It has been described in the literature (PMID 1572223, 27179222), including one family with two afffected males with the variant (PMID 27179222). No functional studies have been published.

Literature cited by the submitters: PubMed 15712223; PubMed 27179222.

NM_000533.5(PLP1):c.385C>T (p.Gln129Ter)

Genes: PLP1 (proteolipid protein 1; plus strand), RAB9B (RAB9B, member RAS oncogene family; minus strand). Cytogenetic location: Xq22.2.
Variant type: single nucleotide variant.
Coding change: c.385C>T on transcript NM_000533.5 (MANE Select); coding-DNA position 385, C replaced by T.
Protein change: p.Gln129Ter; replaces glutamine 129 with a stop codon.
Molecular consequence: nonsense. On other transcripts: intron variant (1).
Genome position (GRCh38, 1-based): chrX:103,786,658, C>T. VCF-style: chrX-103786658-C-T. GRCh37 (hg19) VCF-style: chrX-103041587-C-T.
Other names: c.385C>T, p.Gln129Ter (NM_001128834.3); c.220C>T, p.Gln74Ter (NM_001305004.1); c.348+37C>T (NM_199478.3); short protein forms Q129*, Q74*.
Identifiers: ClinVar variation 3255424 (VCV003255424.2), dbSNP rs2522308071.
Genomic context (GRCh38, chrX:103,786,658, plus strand): 5'-TGCGGCAAGGGCCTGAGCGCAACGGTAACAGGGGGCCAGAAGGGGAGGGGTTCCAGAGGC[C>T]AACATCAAGCTCATTCTTTGGAGCGGGTGTGTCATTGTTTGGGAAAATGGCTAGGACATC-3'